The following is an entry in ClinVar:

ClinVar aggregate classification (germline): Likely benign. Review status: criteria provided, multiple submitters, no conflicts (2 of 4 stars). 2 submissions from 2 submitters: Likely benign (2). Last evaluated 2023-01-31.

Conditions:
Emery-Dreifuss muscular dystrophy 4, autosomal dominant (EDMD4). Also called: EMERY-DREIFUSS MUSCULAR DYSTROPHY 4 WITH VARIABLE FEATURES. Identifiers: Orphanet 261, MedGen C2751807, MONDO:0013071, OMIM 612998.
Autosomal recessive ataxia, Beauce type. Also called: ATAXIA, RECESSIVE, OF BEAUCE; SYNE1-Related Autosomal Recessive Cerebellar Ataxia; Spinocerebellar ataxia, autosomal recessive 8; SYNE1 Deficiency. Identifiers: Orphanet 88644, MedGen C1853116, MONDO:0012549, OMIM 610743.

Allele frequency attached by ClinVar (database versions not stated): gnomAD 0.00003; TOPMed 0.00003; gnomAD exomes 0.00006; ExAC 0.00007.
gnomAD v4.1: 95 of 1,612,898 alleles (0.0059%); highest among the groups gnomAD compares: Non-Finnish European, 0.0078%; no homozygotes.

Submissions (2):

Labcorp Genetics (formerly Invitae), Labcorp
Classification: Likely benign for Emery-Dreifuss muscular dystrophy 4, autosomal dominant; Autosomal recessive ataxia, Beauce type. Last evaluated: 2023-01-31. Review status: criteria provided, single submitter. Criteria: Invitae Variant Classification Sherloc (09022015). Collection method: clinical testing. Allele origin: germline.

GeneDx
Classification: Likely benign. Last evaluated: 2016-06-14. Review status: criteria provided, single submitter. Criteria: GeneDx Variant Classification (06012015). Collection method: clinical testing. Allele origin: germline. Affected: yes.
Comment: This variant is considered likely benign or benign based on one or more of the following criteria: it is a conservative change, it occurs at a poorly conserved position in the protein, it is predicted to be benign by multiple in silico algorithms, and/or has population frequency not consistent with disease.

NM_182961.4(SYNE1):c.6382-11T>C

Gene: SYNE1 (spectrin repeat containing nuclear envelope protein 1; minus strand). Cytogenetic location: 6q25.2.
Variant type: single nucleotide variant.
Coding change: c.6382-11T>C on transcript NM_182961.4 (MANE Select); 11 bases into the intron before coding-DNA position 6382, T replaced by C.
Molecular consequence: intron variant.
Genome position (GRCh38, 1-based): chr6:152,409,237, A>G on the plus strand (T>C on the coding strand, the complement: SYNE1 is on the minus strand). VCF-style: chr6-152409237-A-G. GRCh37 (hg19) VCF-style: chr6-152730372-A-G.
Other names: c.6403-11T>C (NM_033071.5).
Identifiers: ClinVar variation 386573 (VCV000386573.9), dbSNP rs769649824, ClinGen allele CA4058082.